The following is an entry in ClinVar:

NM_001163435.3(TBCK):c.844C>T (p.Pro282Ser)

Gene: TBCK (TBC1 domain containing kinase; minus strand). Cytogenetic location: 4q24.
Variant type: single nucleotide variant.
Coding change: c.844C>T on transcript NM_001163435.3 (MANE Select); coding-DNA position 844, C replaced by T.
Protein change: p.Pro282Ser; replaces proline 282 with serine.
Molecular consequence: missense variant.
Genome position (GRCh38, 1-based): chr4:106,247,226, G>A on the plus strand (C>T on the coding strand, the complement: TBCK is on the minus strand). VCF-style: chr4-106247226-G-A. GRCh37 (hg19) VCF-style: chr4-107168383-G-A.
Other names: c.844C>T, p.Pro282Ser (NM_001163436.4); c.727C>T, p.Pro243Ser (NM_001163437.3); c.328C>T, p.Pro110Ser (NM_001290768.2); c.655C>T, p.Pro219Ser (NM_033115.5); c.844C>T (NM_001163435.1); short protein forms P243S, P110S, P219S, P282S.
Identifiers: ClinVar variation 1501788 (VCV001501788.6), dbSNP rs538717258, ClinGen allele CA102843592.
Genomic context (GRCh38, chr4:106,247,226, plus strand): 5'-GCAGAGTTAAATCAGCACATCTCAGAGAAGATGAAAACAGACTGGCAGGTTTGGTAAAGG[G>A]GGTATATAAAGGTGATACCTCACTGAATACTTTGTCCTTCATTAATTGATCTGGGGTTGG-3'
Protein context (NP_001156907.2, residues 272-292): VFSEVSPLYT[Pro282Ser]FTKPASLFSS

ClinVar aggregate classification (germline): Uncertain significance. Review status: criteria provided, multiple submitters, no conflicts (2 of 4 stars). 2 submissions from 2 submitters: Uncertain significance (2). Last evaluated 2022-08-12.

Conditions:
Inborn genetic diseases. Identifiers: MedGen C0950123, MeSH D030342.

Submissions (2):

Ambry Genetics
Classification: Uncertain significance for Inborn genetic diseases. Last evaluated: 2022-08-12. Review status: criteria provided, single submitter. Criteria: Ambry Variant Classification Scheme 2023. Collection method: clinical testing. Allele origin: germline.

Labcorp Genetics (formerly Invitae), Labcorp
Classification: Uncertain significance. Last evaluated: 2022-01-02. Review status: criteria provided, single submitter. Criteria: Invitae Variant Classification Sherloc (09022015). Collection method: clinical testing. Allele origin: germline.
Comment: In summary, the available evidence is currently insufficient to determine the role of this variant in disease. Therefore, it has been classified as a Variant of Uncertain Significance. This sequence change replaces proline, which is neutral and non-polar, with serine, which is neutral and polar, at codon 282 of the TBCK protein (p.Pro282Ser). This variant is not present in population databases (gnomAD no frequency). This variant has not been reported in the literature in individuals affected with TBCK-related conditions. Algorithms developed to predict the effect of missense changes on protein structure and function (SIFT, PolyPhen-2, Align-GVGD) all suggest that this variant is likely to be tolerated.